The following is an entry in ClinVar:

NM_001375380.1(EBF3):c.1134G>A (p.Val378=)

Gene: EBF3 (EBF transcription factor 3; minus strand). Cytogenetic location: 10q26.3.
Variant type: single nucleotide variant.
Coding change: c.1134G>A on transcript NM_001375380.1 (MANE Select); coding-DNA position 1134, G replaced by A.
Protein change: p.Val378=; no amino-acid change (valine 378 retained).
Molecular consequence: synonymous variant.
Genome position (GRCh38, 1-based): chr10:129,843,197, C>T on the plus strand (G>A on the coding strand, the complement: EBF3 is on the minus strand). VCF-style: chr10-129843197-C-T. GRCh37 (hg19) VCF-style: chr10-131641461-C-T.
Other names: c.1107G>A, p.Val369= (NM_001005463.3, NM_001375390.1, NM_001375392.1); c.1134G>A, p.Val378= (NM_001375379.1, NM_001375389.1, NM_001375391.1).
Identifiers: ClinVar variation 4989177 (VCV004989177.1).
Genomic context (GRCh38, chr10:129,843,197, plus strand): 5'-CTGGTTGTTGTGAGGCATTCCGTATAAGGCTTCCACCAGGTCCGCCGCCCGCTTCAGTAA[C>T]ACCTCCTAAAGGAAGAGCAGACAGGAGGTGATTCATGGGAGGAACCGGCCAGTTATCACT-3'
Protein context (NP_001362309.1, residues 368-388): PGDPERLPKE[Val378=]LLKRAADLVE

ClinVar aggregate classification (germline): Likely benign (1 of 4 stars; one submission).

Conditions:
EBF3-related disorder. Identifiers: MedGen CN239924.

gnomAD v4.1: 19 of 1,611,972 alleles (0.0012%); highest among the groups gnomAD compares: African/African-American, 0.0067%; no homozygotes.

Submission:

PreventionGenetics, part of Exact Sciences
Classification: Likely benign for EBF3-related condition. Last evaluated: 2025-08-07. Review status: criteria provided, single submitter. Criteria: ACMG Guidelines, 2015. Collection method: clinical testing. Allele origin: germline.
Comment: This variant is classified as likely benign based on ACMG/AMP sequence variant interpretation guidelines (Richards et al. 2015 PMID: 25741868, with internal and published modifications).